The following is an entry in ClinVar:

ClinVar aggregate classification (germline): Uncertain significance (1 of 4 stars; one submission).

Submission:

GeneDx
Classification: Uncertain significance. Last evaluated: 2022-07-11. Review status: criteria provided, single submitter. Criteria: GeneDx Variant Classification Process June 2021. Collection method: clinical testing. Allele origin: germline. Affected: yes.
Comment: Not observed at significant frequency in large population cohorts (gnomAD); In silico analysis supports that this missense variant has a deleterious effect on protein structure/function; Has not been previously published as pathogenic or benign to our knowledge

NM_024757.5(EHMT1):c.2534T>C (p.Leu845Pro)

Gene: EHMT1 (euchromatic histone lysine methyltransferase 1; plus strand). Cytogenetic location: 9q34.3.
Variant type: single nucleotide variant.
Coding change: c.2534T>C on transcript NM_024757.5 (MANE Select); coding-DNA position 2534, T replaced by C.
Protein change: p.Leu845Pro; replaces leucine 845 with proline.
Molecular consequence: missense variant.
Genome position (GRCh38, 1-based): chr9:137,798,841, T>C. VCF-style: chr9-137798841-T-C. GRCh37 (hg19) VCF-style: chr9-140693293-T-C.
Other names: c.2513T>C, p.Leu838Pro (NM_001354263.2); short protein forms L838P, L845P.
Identifiers: ClinVar variation 1878960 (VCV001878960.1), dbSNP rs2538357896, ClinGen allele CA375788048.
Genomic context (GRCh38, chr9:137,798,841, plus strand): 5'-GATTCTTTGACTAAGTGGCATTTCTGTTGCAGGACGCAGAGGGCTCTACGTGTTTGCACC[T>C]GGCTGCCAAGAAAGGCCACTACGAAGTGGTCCAGTACCTGCTTTCAAATGGACAGATGGA-3'
Protein context (NP_079033.4, residues 835-855): KDAEGSTCLH[Leu845Pro]AAKKGHYEVV